The following is an entry in ClinVar:

NM_001143986.2(TLE6):c.1620T>C (p.Pro540=)

Gene: TLE6 (TLE family member 6, subcortical maternal complex member; plus strand). Cytogenetic location: 19p13.3.
Variant type: single nucleotide variant.
Coding change: c.1620T>C on transcript NM_001143986.2 (MANE Select); coding-DNA position 1620, T replaced by C.
Protein change: p.Pro540=; no amino-acid change (proline 540 retained).
Molecular consequence: synonymous variant.
Genome position (GRCh38, 1-based): chr19:2,994,905, T>C. VCF-style: chr19-2994905-T-C. GRCh37 (hg19) VCF-style: chr19-2994903-T-C.
Other names: c.1251T>C, p.Pro417= (NM_024760.3).
Identifiers: ClinVar variation 3060759 (VCV003060759.2), dbSNP rs34831575, ClinGen allele CA9073241.

ClinVar aggregate classification (germline): Benign (0 of 4 stars; one submission).

Conditions:
TLE6-related disorder. Also called: TLE6-related condition.

Allele frequency attached by ClinVar (database versions not stated): ESP Exome Variant Server 0.26650; gnomAD 0.27918; TOPMed 0.29038; ExAC 0.29278; 1000 Genomes Project 0.31709; 1000 Genomes Project 30x 0.32136.
gnomAD v4.1: 369,462 of 1,558,510 alleles (24%); highest among the groups gnomAD compares: Admixed American, 39%; 46,141 homozygotes.

Submission:

PreventionGenetics, part of Exact Sciences
Classification: Benign for TLE6-related condition. Last evaluated: 2019-10-18. Review status: no assertion criteria provided. Collection method: clinical testing. Allele origin: germline.
Comment: This variant is classified as benign based on ACMG/AMP sequence variant interpretation guidelines (Richards et al. 2015 PMID: 25741868, with internal and published modifications).